The following is an entry in ClinVar:

NM_000747.3(CHRNB1):c.427C>A (p.Pro143Thr)

Gene: CHRNB1 (cholinergic receptor nicotinic beta 1 subunit; plus strand). Cytogenetic location: 17p13.1.
Variant type: single nucleotide variant.
Coding change: c.427C>A on transcript NM_000747.3 (MANE Select); coding-DNA position 427, C replaced by A.
Protein change: p.Pro143Thr; replaces proline 143 with threonine.
Molecular consequence: missense variant.
Genome position (GRCh38, 1-based): chr17:7,447,116, C>A. VCF-style: chr17-7447116-C-A. GRCh37 (hg19) VCF-style: chr17-7350435-C-A.
Other names: short protein forms P143T.
Identifiers: ClinVar variation 3020304 (VCV003020304.3), dbSNP rs753874135, ClinGen allele CA8347770.

ClinVar aggregate classification (germline): Uncertain significance (1 of 4 stars; one submission).

Conditions:
Congenital myasthenic syndrome 2A. Also called: Myasthenic syndrome, congenital, 2a, slow-channel. Identifiers: Orphanet 590, MedGen C4225374, MONDO:0014581, OMIM 616313.

Allele frequency attached by ClinVar (database versions not stated): gnomAD exomes below 0.00001; ExAC 0.00001.
gnomAD v4.1: 1 of 1,614,096 alleles (0.000062%); highest among the groups gnomAD compares: Non-Finnish European, 0.000085%; no homozygotes.

Submission:

Labcorp Genetics (formerly Invitae), Labcorp
Classification: Uncertain significance for Congenital myasthenic syndrome 2A. Last evaluated: 2023-03-16. Review status: criteria provided, single submitter. Criteria: Invitae Variant Classification Sherloc (09022015). Collection method: clinical testing. Allele origin: germline.
Comment: In summary, the available evidence is currently insufficient to determine the role of this variant in disease. Therefore, it has been classified as a Variant of Uncertain Significance. Advanced modeling of protein sequence and biophysical properties (such as structural, functional, and spatial information, amino acid conservation, physicochemical variation, residue mobility, and thermodynamic stability) has been performed at Invitae for this missense variant, however the output from this modeling did not meet the statistical confidence thresholds required to predict the impact of this variant on CHRNB1 protein function. This variant has not been reported in the literature in individuals affected with CHRNB1-related conditions. This variant is present in population databases (rs753874135, gnomAD 0.0009%). This sequence change replaces proline, which is neutral and non-polar, with threonine, which is neutral and polar, at codon 143 of the CHRNB1 protein (p.Pro143Thr).